The following is an entry in ClinVar:

ClinVar aggregate classification (germline): Benign. Review status: criteria provided, multiple submitters, no conflicts (2 of 4 stars). 4 submissions from 4 submitters: Benign (3). 1 of the submissions does not count toward it. Last evaluated 2018-08-21.

Conditions:
DNAH17-related disorder. Also called: DNAH17-related condition.

Allele frequency attached by ClinVar (database versions not stated): ESP Exome Variant Server 0.62248; TOPMed 0.63842; gnomAD 0.64491 and 0.65271; 1000 Genomes Project 30x 0.67676; 1000 Genomes Project 0.68450; gnomAD exomes 0.72769 and 0.73795; ExAC 0.74464.
gnomAD v4.1: 1,158,088 of 1,607,814 alleles (72%); highest among the groups gnomAD compares: East Asian, 95%; 423,199 homozygotes.

Submissions (4):

GeneDx
Classification: Benign. Last evaluated: 2018-08-21. Review status: criteria provided, single submitter. Criteria: GeneDx Variant Classification Process June 2021. Collection method: clinical testing. Allele origin: germline. Affected: yes.

Laboratory for Molecular Medicine, Mass General Brigham Personalized Medicine
Classification: Benign. Last evaluated: 2016-03-29. Review status: criteria provided, single submitter. Criteria: LMM Criteria. Collection method: clinical testing. Allele origin: germline.
Comment: Variant identified in a genome or exome case(s) and assessed due to predicted null impact of the variant or pathogenic assertions in the literature or databases. Disclaimer: This variant has not undergone full assessment. The following are preliminary notes: Frequency

Breakthrough Genomics
Classification: Benign. Review status: criteria provided, single submitter. Criteria: ACMG Guidelines, 2015. Collection method: not provided. Allele origin: germline. Inheritance: Autosomal recessive inheritance. Affected: yes.

PreventionGenetics, part of Exact Sciences
Classification: Benign for DNAH17-related condition. Last evaluated: 2019-10-17. Review status: no assertion criteria provided. Collection method: clinical testing. Allele origin: germline. Not counted in ClinVar's aggregate classification.
Comment: This variant is classified as benign based on ACMG/AMP sequence variant interpretation guidelines (Richards et al. 2015 PMID: 25741868, with internal and published modifications).

NM_173628.4(DNAH17):c.12681C>T (p.Tyr4227=)

Gene: DNAH17 (dynein axonemal heavy chain 17; minus strand). Cytogenetic location: 17q25.3.
Variant type: single nucleotide variant.
Coding change: c.12681C>T on transcript NM_173628.4 (MANE Select); coding-DNA position 12681, C replaced by T.
Protein change: p.Tyr4227=; no amino-acid change (tyrosine 4227 retained).
Molecular consequence: synonymous variant.
Genome position (GRCh38, 1-based): chr17:78,427,016, G>A on the plus strand (C>T on the coding strand, the complement: DNAH17 is on the minus strand). VCF-style: chr17-78427016-G-A. GRCh37 (hg19) VCF-style: chr17-76423097-G-A.
Identifiers: ClinVar variation 402672 (VCV000402672.8), dbSNP rs2271613, ClinGen allele CA8799926.
Genomic context (GRCh38, chr17:78,427,016, plus strand): 5'-ACGGCGCATTTCGTTGGTCAGGATGTTCATTCTTTCACATTCTTGAAAGGCGACTACCAC[G>A]TAGGGGGTCTTTTCCGCTGCCTTTGCCATGATCTCAGCCATGTTGAAAGTCTCCGGAATC-3'
Protein context (NP_775899.3, residues 4217-4237): IMAKAAEKTP[Tyr4227=]VVVAFQECER